The following is an entry in ClinVar:

ClinVar aggregate classification (germline): Uncertain significance (1 of 4 stars; one submission).

Allele frequency attached by ClinVar (database versions not stated): gnomAD exomes below 0.00001.
gnomAD v4.1: 3 of 1,162,166 alleles (0.00026%); highest among the groups gnomAD compares: Non-Finnish European, 0.00032%; no homozygotes.

Submission:

Labcorp Genetics (formerly Invitae), Labcorp
Classification: Uncertain significance. Last evaluated: 2022-07-06. Review status: criteria provided, single submitter. Criteria: Invitae Variant Classification Sherloc (09022015). Collection method: clinical testing. Allele origin: germline.
Comment: In summary, the available evidence is currently insufficient to determine the role of this variant in disease. Therefore, it has been classified as a Variant of Uncertain Significance. Algorithms developed to predict the effect of missense changes on protein structure and function are either unavailable or do not agree on the potential impact of this missense change (SIFT: "Deleterious"; PolyPhen-2: "Benign"; Align-GVGD: "Class C0"). ClinVar contains an entry for this variant (Variation ID: 1495330). This variant has not been reported in the literature in individuals affected with TPRN-related conditions. This variant is not present in population databases (gnomAD no frequency). This sequence change replaces glycine, which is neutral and non-polar, with arginine, which is basic and polar, at codon 35 of the TPRN protein (p.Gly35Arg).

NM_001128228.3(TPRN):c.103G>A (p.Gly35Arg)

Genes: TPRN (taperin; minus strand), LOC130003093 (ATAC-STARR-seq lymphoblastoid silent region 20590; plus strand). Cytogenetic location: 9q34.3.
Variant type: single nucleotide variant.
Coding change: c.103G>A on transcript NM_001128228.3 (MANE Select); coding-DNA position 103, G replaced by A.
Protein change: p.Gly35Arg; replaces glycine 35 with arginine.
Molecular consequence: missense variant.
Genome position (GRCh38, 1-based): chr9:137,200,609, C>T on the plus strand (G>A on the coding strand, the complement: TPRN is on the minus strand). VCF-style: chr9-137200609-C-T. GRCh37 (hg19) VCF-style: chr9-140095061-C-T.
Other names: short protein forms G35R.
Identifiers: ClinVar variation 1495330 (VCV001495330.6), dbSNP rs1834795163, ClinGen allele CA375784708.